The following is an entry in ClinVar:

ClinVar aggregate classification (germline): Benign (1 of 4 stars; one submission).

Conditions:
Autosomal recessive osteopetrosis 5. Identifiers: Orphanet 85179, MedGen C1968603, MONDO:0009817, OMIM 259720.

Allele frequency attached by ClinVar (database versions not stated): gnomAD 0.04861 and 0.05196; TOPMed 0.05050; 1000 Genomes Project 0.05232; 1000 Genomes Project 30x 0.05700.

Submission:

Illumina Laboratory Services, Illumina
Classification: Benign for Autosomal recessive osteopetrosis 5. Last evaluated: 2018-01-12. Review status: criteria provided, single submitter. Criteria: ICSL Variant Classification Criteria 13 December 2019. Collection method: clinical testing. Allele origin: germline.
Comment: This variant was observed in the ICSL laboratory as part of a predisposition screen in an ostensibly healthy population. It had not been previously curated by ICSL or reported in the Human Gene Mutation Database (HGMD: prior to June 1st, 2018), and was therefore a candidate for classification through an automated scoring system. Utilizing variant allele frequency, disease prevalence and penetrance estimates, and inheritance mode, an automated score was calculated to assess if this variant is too frequent to cause the disease. Based on the score and internal cut-off values, a variant classified as benign is not then subjected to further curation. The score for this variant resulted in a classification of benign for this disease.

NM_014028.4(OSTM1):c.*2547G>A

Gene: OSTM1 (osteoclastogenesis associated transmembrane protein 1; minus strand). Cytogenetic location: 6q21.
Variant type: single nucleotide variant.
Coding change: c.*2547G>A on transcript NM_014028.4 (MANE Select); 2547 bases downstream of the stop codon, G replaced by A.
Molecular consequence: 3 prime UTR variant.
Genome position (GRCh38, 1-based): chr6:108,042,238, C>T on the plus strand (G>A on the coding strand, the complement: OSTM1 is on the minus strand). VCF-style: chr6-108042238-C-T. GRCh37 (hg19) VCF-style: chr6-108363442-C-T.
Identifiers: ClinVar variation 354934 (VCV000354934.5), dbSNP rs111332944, ClinGen allele CA10622695.